The following is an entry in ClinVar:

ClinVar aggregate classification (germline): Uncertain significance (1 of 4 stars; one submission).

Allele frequency attached by ClinVar (database versions not stated): TOPMed 0.00001.
gnomAD v4.1: 13 of 1,613,876 alleles (0.00081%); highest among the groups gnomAD compares: Middle Eastern, 0.066%; no homozygotes.

Submission:

CeGaT Center for Human Genetics Tuebingen
Classification: Uncertain significance. Last evaluated: 2022-11-01. Review status: criteria provided, single submitter. Criteria: CeGaT Center For Human Genetics Tuebingen Variant Classification Criteria Version 2. Collection method: clinical testing. Allele origin: germline. Affected: yes. Observed: 1 variant allele.
Comment: IQGAP3: PM2, BP4

NM_178229.5(IQGAP3):c.4405-6C>T

Gene: IQGAP3 (IQ motif containing GTPase activating protein 3; minus strand). Cytogenetic location: 1q22.
Variant type: single nucleotide variant.
Coding change: c.4405-6C>T on transcript NM_178229.5 (MANE Select); 6 bases into the intron before coding-DNA position 4405, C replaced by T.
Molecular consequence: intron variant.
Genome position (GRCh38, 1-based): chr1:156,529,088, G>A on the plus strand (C>T on the coding strand, the complement: IQGAP3 is on the minus strand). VCF-style: chr1-156529088-G-A. GRCh37 (hg19) VCF-style: chr1-156498880-G-A.
Identifiers: ClinVar variation 2639451 (VCV002639451.24), dbSNP rs775521236, ClinGen allele CA526671936.